The following is an entry in ClinVar:

ClinVar aggregate classification (germline): Uncertain significance (1 of 4 stars; one submission).

Conditions:
Familial adenomatous polyposis 1 (FAP1). Also called: FAMILIAL ADENOMATOUS POLYPOSIS 1, ATTENUATED; POLYPOSIS, ADENOMATOUS INTESTINAL. Identifiers: MedGen C2713442, MONDO:0021056, OMIM 175100. Disease mechanism: loss of function.

Allele frequency attached by ClinVar (database versions not stated): gnomAD exomes below 0.00001.
gnomAD v4.1: 2 of 1,359,784 alleles (0.00015%); highest among the groups gnomAD compares: South Asian, 0.0012%; no homozygotes.

Submission:

Labcorp Genetics (formerly Invitae), Labcorp
Classification: Uncertain significance for Familial adenomatous polyposis 1. Last evaluated: 2023-12-22. Review status: criteria provided, single submitter. Criteria: Invitae Variant Classification Sherloc (09022015). Collection method: clinical testing. Allele origin: germline.
Comment: This variant occurs in a non-coding region of the APC gene. It does not change the encoded amino acid sequence of the APC protein. This variant is not present in population databases (gnomAD no frequency). This variant has not been reported in the literature in individuals affected with APC-related conditions. ClinVar contains an entry for this variant (Variation ID: 665429). Experimental studies and prediction algorithms are not available or were not evaluated, and the functional significance of this variant is currently unknown. In summary, the available evidence is currently insufficient to determine the role of this variant in disease. Therefore, it has been classified as a Variant of Uncertain Significance.

NM_001127511.3(APC):c.-70A>C

Gene: APC (APC regulator of Wnt signaling pathway; plus strand). Cytogenetic location: 5q22.2.
Variant type: single nucleotide variant.
Coding change: c.-70A>C on transcript NM_001127511.3; 70 bases upstream of the start codon, A replaced by C.
Molecular consequence: 5 prime UTR variant. On other transcripts: non-coding transcript variant (2).
Genome position (GRCh38, 1-based): chr5:112,707,648, A>C. VCF-style: chr5-112707648-A-C. GRCh37 (hg19) VCF-style: chr5-112043345-A-C.
Other names: c.-253A>C (NM_001354895.2, NM_001407447.1, NM_001407452.1 and 3 more transcripts); c.-70A>C (NM_001354897.2, NM_001354902.2, NM_001407446.1); c.-20A>C (NM_001407448.1, NM_001407450.1, NM_001407457.1 and 1 more transcripts); c.-44A>C (NM_001407453.1); c.-1288A>C (NM_001407470.1, NM_001407472.1).
Identifiers: ClinVar variation 665429 (VCV000665429.7), dbSNP rs1580996503, ClinGen allele CA915943587.
Genomic context (GRCh38, chr5:112,707,648, plus strand): 5'-GGGGGACCTGCGGGCTCAGGCCCGGGAGCTGCGGACCGAGGTTGGCTCGATGCTGTTCCC[A>C]GGTACTGTTGTTGGCTGTTGGTGAGGAAGGTGAAGCACTCAGTTGCCTTCTCGGGCCTCG-3'